The following is an entry in ClinVar:

ClinVar aggregate classification (germline): Likely benign. Review status: criteria provided, multiple submitters, no conflicts (2 of 4 stars). 2 submissions from 2 submitters: Likely benign (2). Last evaluated 2025-07-01.

Allele frequency attached by ClinVar (database versions not stated): gnomAD 0.00001; gnomAD exomes 0.00001; TOPMed 0.00002.
gnomAD v4.1: 13 of 1,604,542 alleles (0.00081%); highest among the groups gnomAD compares: South Asian, 0.0011%; no homozygotes.

Submissions (2):

CeGaT Center for Human Genetics Tuebingen
Classification: Likely benign. Last evaluated: 2025-07-01. Review status: criteria provided, single submitter. Criteria: CeGaT Center For Human Genetics Tuebingen Variant Classification Criteria Version 2. Collection method: clinical testing. Allele origin: germline. Affected: yes. Observed: 1 variant allele.
Comment: FAM20A: BP4, BP7

Labcorp Genetics (formerly Invitae), Labcorp
Classification: Likely benign. Last evaluated: 2023-12-21. Review status: criteria provided, single submitter. Criteria: Invitae Variant Classification Sherloc (09022015). Collection method: clinical testing. Allele origin: germline.

NM_017565.4(FAM20A):c.1161C>T (p.Tyr387=)

Genes: FAM20A (FAM20A golgi associated secretory pathway pseudokinase; minus strand), PRKAR1A (protein kinase cAMP-dependent type I regulatory subunit alpha; plus strand). Cytogenetic location: 17q24.2.
Variant type: single nucleotide variant.
Coding change: c.1161C>T on transcript NM_017565.4 (MANE Select); coding-DNA position 1161, C replaced by T.
Protein change: p.Tyr387=; no amino-acid change (tyrosine 387 retained).
Molecular consequence: synonymous variant. On other transcripts: non-coding transcript variant (1), intron variant (1).
Genome position (GRCh38, 1-based): chr17:68,540,907, G>A on the plus strand (C>T on the coding strand, the complement: FAM20A is on the minus strand). VCF-style: chr17-68540907-G-A. GRCh37 (hg19) VCF-style: chr17-66537048-G-A.
Other names: c.747C>T, p.Tyr249= (NM_001243746.2); c.974-10177G>A (NM_001276290.1).
Identifiers: ClinVar variation 1910591 (VCV001910591.20), dbSNP rs980365295, ClinGen allele CA293304518.